The following is an entry in ClinVar:

NM_000214.3(JAG1):c.2688G>A (p.Trp896Ter)

Gene: JAG1 (jagged canonical Notch ligand 1; minus strand). Cytogenetic location: 20p12.2.
Variant type: single nucleotide variant.
Coding change: c.2688G>A on transcript NM_000214.3 (MANE Select); coding-DNA position 2688, G replaced by A.
Protein change: p.Trp896Ter; replaces tryptophan 896 with a stop codon.
Molecular consequence: nonsense.
Genome position (GRCh38, 1-based): chr20:10,641,688, C>T on the plus strand (G>A on the coding strand, the complement: JAG1 is on the minus strand). VCF-style: chr20-10641688-C-T. GRCh37 (hg19) VCF-style: chr20-10622336-C-T.
Other names: c.2688G>A, p.Trp896Ter (LRG_1191t1); short protein forms W896*.
Identifiers: ClinVar variation 406871 (VCV000406871.8), dbSNP rs1060501350, ClinGen allele CA16616454.

ClinVar aggregate classification (germline): Pathogenic (1 of 4 stars; one submission).

Conditions:
Alagille syndrome due to a JAG1 point mutation. Also called: JAG1-Related Alagille Syndrome; HEPATIC DUCTULAR HYPOPLASIA, SYNDROMATIC; Alagille Syndrome 1. Identifiers: Orphanet 261619, Orphanet 52, MedGen C1956125, MONDO:0016862, OMIM 118450.

Submission:

Labcorp Genetics (formerly Invitae), Labcorp
Classification: Pathogenic for Alagille syndrome due to a JAG1 point mutation. Last evaluated: 2016-09-01. Review status: criteria provided, single submitter. Criteria: Invitae Variant Classification Sherloc (09022015). Collection method: clinical testing. Allele origin: germline.
Comment: For these reasons, this variant has been classified as Pathogenic. Loss-of-function variants in JAG1 are known to be pathogenic. This particular variant has been reported in individuals affected with Alagille syndrome (PMID: 11058898, 16575836). This sequence change creates a premature translational stop signal at codon 896 (p.Trp896*) of the JAG1 gene. It is expected to result in an absent or disrupted protein product.

Literature cited by the submitters: PubMed 11058898; PubMed 16575836.